The following is an entry in ClinVar:

NM_181523.3(PIK3R1):c.399C>G (p.Ile133Met)

Gene: PIK3R1 (phosphoinositide-3-kinase regulatory subunit 1; plus strand). Cytogenetic location: 5q13.1.
Variant type: single nucleotide variant.
Coding change: c.399C>G on transcript NM_181523.3 (MANE Select); coding-DNA position 399, C replaced by G.
Protein change: p.Ile133Met; replaces isoleucine 133 with methionine.
Molecular consequence: missense variant.
Genome position (GRCh38, 1-based): chr5:68,273,454, C>G. VCF-style: chr5-68273454-C-G. GRCh37 (hg19) VCF-style: chr5-67569282-C-G.
Other names: short protein forms I133M.
Identifiers: ClinVar variation 969295 (VCV000969295.7), dbSNP rs752552706, ClinGen allele CA3290005.

ClinVar aggregate classification (germline): Uncertain significance (1 of 4 stars; one submission).

Conditions:
Agammaglobulinemia 7, autosomal recessive (AGM7). Also called: AGAMMAGLOBULINEMIA, AUTOSOMAL RECESSIVE, DUE TO PIK3R1 DEFECT. Identifiers: MedGen C3554689, MONDO:0014083, OMIM 615214.
SHORT syndrome. Also called: LIPODYSTROPHY, PARTIAL, WITH RIEGER ANOMALY AND SHORT STATURE; PIK3R1-Related SHORT Syndrome; SHORT STATURE, HYPEREXTENSIBILITY, HERNIA, OCULAR DEPRESSION, RIEGER ANOMALY, AND TEETHING DELAY. Identifiers: Orphanet 3163, MedGen C0878684, MONDO:0010026, OMIM 269880.
Immunodeficiency 36 with lymphoproliferation. Also called: Immunodeficiency 36; Activated PI3K Delta Syndrome Type 2 (APDS2); ACTIVATED PI3K-DELTA SYNDROME 2. Identifiers: Orphanet 397596, Orphanet 693681, MedGen C4014934, MONDO:0014453, OMIM 616005.

Allele frequency attached by ClinVar (database versions not stated): gnomAD 0.00001; TOPMed 0.00001; ExAC 0.00002; gnomAD exomes 0.00002 and 0.00004.
gnomAD v4.1: 54 of 1,613,930 alleles (0.0033%); highest among the groups gnomAD compares: Non-Finnish European, 0.0044%; no homozygotes.

Submission:

Labcorp Genetics (formerly Invitae), Labcorp
Classification: Uncertain significance for SHORT syndrome; Immunodeficiency 36 with lymphoproliferation; Agammaglobulinemia 7, autosomal recessive. Last evaluated: 2024-05-18. Review status: criteria provided, single submitter. Criteria: Invitae Variant Classification Sherloc (09022015). Collection method: clinical testing. Allele origin: germline.
Comment: This sequence change replaces isoleucine, which is neutral and non-polar, with methionine, which is neutral and non-polar, at codon 133 of the PIK3R1 protein (p.Ile133Met). This variant is present in population databases (rs752552706, gnomAD 0.004%). This variant has not been reported in the literature in individuals affected with PIK3R1-related conditions. ClinVar contains an entry for this variant (Variation ID: 969295). An algorithm developed to predict the effect of missense changes on protein structure and function (PolyPhen-2) suggests that this variant is likely to be tolerated. In summary, the available evidence is currently insufficient to determine the role of this variant in disease. Therefore, it has been classified as a Variant of Uncertain Significance.